The following is an entry in ClinVar:

NM_053025.4(MYLK):c.5570T>C (p.Ile1857Thr)

Genes: MYLK-AS1 (MYLK antisense RNA 1; plus strand), MYLK (myosin light chain kinase; minus strand). Cytogenetic location: 3q21.1.
Variant type: single nucleotide variant.
Coding change: c.5570T>C on transcript NM_053025.4 (MANE Select); coding-DNA position 5570, T replaced by C.
Protein change: p.Ile1857Thr; replaces isoleucine 1857 with threonine.
Molecular consequence: missense variant.
Genome position (GRCh38, 1-based): chr3:123,614,280, A>G on the plus strand (T>C on the coding strand, the complement: MYLK is on the minus strand). VCF-style: chr3-123614280-A-G. GRCh37 (hg19) VCF-style: chr3-123333127-A-G.
Other names: c.5042T>C, p.Ile1681Thr (NM_001321309.2); c.5363T>C, p.Ile1788Thr (NM_053026.4); c.5417T>C, p.Ile1806Thr (NM_053027.4); c.5210T>C, p.Ile1737Thr (NM_053028.4); c.287T>C, p.Ile96Thr (NM_053031.4); c.290T>C, p.Ile97Thr (NM_053032.4); c.5570T>C (NM_053025.3); short protein forms I1806T, I1857T, I96T, I97T, I1788T, I1681T, I1737T.
Identifiers: ClinVar variation 3713657 (VCV003713657.3).

ClinVar aggregate classification (germline): Uncertain significance. Review status: criteria provided, multiple submitters, no conflicts (2 of 4 stars). 2 submissions from 2 submitters: Uncertain significance (2). Last evaluated 2026-07-01.

Conditions:
Aortic aneurysm, familial thoracic 7 (AAT7). Also called: AORTIC DISSECTION, FAMILIAL, WITH OR WITHOUT AORTIC ANEURYSM. Identifiers: MedGen C3151077, MONDO:0013418, OMIM 613780.
MYLK-related disorder. Also called: MYLK-related condition.

gnomAD v4.1: 2 of 1,614,180 alleles (0.00012%); highest among the groups gnomAD compares: Admixed American, 0.0033%; no homozygotes.

Submissions (2):

PreventionGenetics, part of Exact Sciences
Classification: Uncertain significance for MYLK-related condition. Last evaluated: 2026-07-01. Review status: criteria provided, single submitter. Criteria: ACMG Guidelines, 2015. Collection method: clinical testing. Allele origin: germline.
Comment: The MYLK c.5570T>C variant is predicted to result in the amino acid substitution p.Ile1857Thr. To our knowledge, this variant has not been reported in the literature. This variant is reported in 0.0058% of alleles in individuals of Latino descent in gnomAD. At this time, the clinical significance of this variant is uncertain due to the absence of conclusive functional and genetic evidence.

Labcorp Genetics (formerly Invitae), Labcorp
Classification: Uncertain significance for Aortic aneurysm, familial thoracic 7. Last evaluated: 2025-06-24. Review status: criteria provided, single submitter. Criteria: Invitae Variant Classification Sherloc (09022015). Collection method: clinical testing. Allele origin: germline.
Comment: This sequence change replaces isoleucine, which is neutral and non-polar, with threonine, which is neutral and polar, at codon 1857 of the MYLK protein (p.Ile1857Thr). This variant is present in population databases (no rsID available, gnomAD 0.006%). This variant has not been reported in the literature in individuals affected with MYLK-related conditions. ClinVar contains an entry for this variant (Variation ID: 3713657). Invitae Evidence Modeling of protein sequence and biophysical properties (such as structural, functional, and spatial information, amino acid conservation, physicochemical variation, residue mobility, and thermodynamic stability) indicates that this missense variant is not expected to disrupt MYLK protein function with a negative predictive value of 80%. In summary, the available evidence is currently insufficient to determine the role of this variant in disease. Therefore, it has been classified as a Variant of Uncertain Significance.